The following is an entry in ClinVar:

NM_025137.4(SPG11):c.2198del (p.Asn732_Leu733insTer)

Gene: SPG11 (SPG11 vesicle trafficking associated, spatacsin; minus strand). Cytogenetic location: 15q21.1.
Variant type: Deletion.
Coding change: c.2198del on transcript NM_025137.4 (MANE Select); coding-DNA position 2198, one base deleted (T; older notation c.2198delT).
Protein change: p.Asn732_Leu733insTer.
Molecular consequence: nonsense. On other transcripts: frameshift variant (1).
Genome position (GRCh38, 1-based): chr15:44,626,377, A deleted on the plus strand (T on the coding strand, the reverse complement: SPG11 is on the minus strand); the first of 3 consecutive A bases (chr15:44,626,377-44,626,379); deleting any one gives the same sequence. VCF-style (leftmost placement, unchanged base first): chr15-44626376-TA-T. GRCh37 (hg19) VCF-style: chr15-44918574-TA-T.
Other names: c.2198delT (NM_025137.3); c.2198del, p.Asn732_Leu733insTer (NM_001160227.2); c.2196delT, p.Leu733Terfs (NM_001411132.1).
Identifiers: ClinVar variation 2147064 (VCV002147064.5), dbSNP rs2505581758, ClinGen allele CA2575708907.

ClinVar aggregate classification (germline): Pathogenic/Likely pathogenic. Review status: criteria provided, multiple submitters, no conflicts (2 of 4 stars). 2 submissions from 2 submitters: Pathogenic (1); Likely pathogenic (1). Last evaluated 2026-02-26.

Conditions:
Hereditary spastic paraplegia 11. Also called: Spastic paraplegia, mental retardation and thin corpus callosum; Nakamura Osame syndrome; Autosomal recessive hereditary spastic paraplegia, mental impairment, and thin corpus callosum; SPASTIC PARAPLEGIA, AUTOSOMAL RECESSIVE, COMPLICATED, WITH THIN CORPUS CALLOSUM; SPASTIC PARAPLEGIA, AUTOSOMAL RECESSIVE, WITH MENTAL IMPAIRMENT AND THIN CORPUS CALLOSUM; Spastic Paraplegia 11. Identifiers: Orphanet 2822, MedGen C1858479, MONDO:0011445, OMIM 604360.
SPG11-related disorder. Also called: SPG11-related condition.

Submissions (2):

PreventionGenetics, part of Exact Sciences
Classification: Likely pathogenic for SPG11-related condition. Last evaluated: 2026-02-26. Review status: criteria provided, single submitter. Criteria: ACMG Guidelines, 2015. Collection method: clinical testing. Allele origin: germline.
Comment: The SPG11 c.2198delT variant is predicted to result in premature protein termination (p.Leu733*). To our knowledge, this variant has not been reported in the literature or in a large population database (gnomAD), indicating this variant is rare. Nonsense variants in SPG11 are expected to be pathogenic. This variant is interpreted as likely pathogenic.

Labcorp Genetics (formerly Invitae), Labcorp
Classification: Pathogenic for Hereditary spastic paraplegia 11. Last evaluated: 2022-06-22. Review status: criteria provided, single submitter. Criteria: Invitae Variant Classification Sherloc (09022015). Collection method: clinical testing. Allele origin: germline.
Comment: This sequence change creates a premature translational stop signal (p.Leu733*) in the SPG11 gene. It is expected to result in an absent or disrupted protein product. Loss-of-function variants in SPG11 are known to be pathogenic (PMID: 19105190, 20110243, 22154821, 26556829). For these reasons, this variant has been classified as Pathogenic. This variant has not been reported in the literature in individuals affected with SPG11-related conditions. This variant is not present in population databases (gnomAD no frequency).

Literature cited by the submitters: PubMed 19105190 (cited by Labcorp Genetics (formerly Invitae), Labcorp); PubMed 20110243 (cited by Labcorp Genetics (formerly Invitae), Labcorp); PubMed 22154821 (cited by Labcorp Genetics (formerly Invitae), Labcorp); PubMed 26556829 (cited by Labcorp Genetics (formerly Invitae), Labcorp).